The following is an entry in ClinVar:

NM_014629.4(ARHGEF10):c.3194T>C (p.Ile1065Thr)

Gene: ARHGEF10 (Rho guanine nucleotide exchange factor 10; plus strand). Cytogenetic location: 8p23.3.
Variant type: single nucleotide variant.
Coding change: c.3194T>C on transcript NM_014629.4 (MANE Select); coding-DNA position 3194, T replaced by C.
Protein change: p.Ile1065Thr; replaces isoleucine 1065 with threonine.
Molecular consequence: missense variant.
Genome position (GRCh38, 1-based): chr8:1,933,914, T>C. VCF-style: chr8-1933914-T-C. GRCh37 (hg19) VCF-style: chr8-1882080-T-C.
Other names: c.3080T>C, p.Ile1027Thr (NM_001308152.2); c.3194T>C, p.Ile1065Thr (NM_001308153.3); short protein forms I1027T, I1065T, I1089T.
Identifiers: ClinVar variation 3609707 (VCV003609707.3).

ClinVar aggregate classification (germline): Uncertain significance. Review status: criteria provided, multiple submitters, no conflicts (2 of 4 stars). 2 submissions from 2 submitters: Uncertain significance (2). Last evaluated 2025-10-02.

gnomAD v4.1: 9 of 1,614,112 alleles (0.00056%); highest among the groups gnomAD compares: African/African-American, 0.011%; no homozygotes.

Submissions (2):

Ambry Genetics
Classification: Uncertain significance. Last evaluated: 2025-10-02. Review status: criteria provided, single submitter. Criteria: Ambry Variant Classification Scheme 2023. Collection method: clinical testing. Allele origin: germline.

Labcorp Genetics (formerly Invitae), Labcorp
Classification: Uncertain significance. Last evaluated: 2024-12-09. Review status: criteria provided, single submitter. Criteria: Invitae Variant Classification Sherloc (09022015). Collection method: clinical testing. Allele origin: germline.
Comment: This sequence change replaces isoleucine, which is neutral and non-polar, with threonine, which is neutral and polar, at codon 1065 of the ARHGEF10 protein (p.Ile1065Thr). This variant is present in population databases (rs762886958, gnomAD 0.02%). This variant has not been reported in the literature in individuals affected with ARHGEF10-related conditions. Invitae Evidence Modeling of protein sequence and biophysical properties (such as structural, functional, and spatial information, amino acid conservation, physicochemical variation, residue mobility, and thermodynamic stability) indicates that this missense variant is not expected to disrupt ARHGEF10 protein function with a negative predictive value of 80%. In summary, the available evidence is currently insufficient to determine the role of this variant in disease. Therefore, it has been classified as a Variant of Uncertain Significance.